The following is an entry in ClinVar:

NM_001378328.1(CELSR1):c.5937T>A (p.Asn1979Lys)

Gene: CELSR1 (cadherin EGF LAG seven-pass G-type receptor 1; minus strand). Cytogenetic location: 22q13.31.
Variant type: single nucleotide variant.
Coding change: c.5937T>A on transcript NM_001378328.1 (MANE Select); coding-DNA position 5937, T replaced by A.
Protein change: p.Asn1979Lys; replaces asparagine 1979 with lysine.
Molecular consequence: missense variant.
Genome position (GRCh38, 1-based): chr22:46,394,169, A>T on the plus strand (T>A on the coding strand, the complement: CELSR1 is on the minus strand). VCF-style: chr22-46394169-A-T. GRCh37 (hg19) VCF-style: chr22-46790066-A-T.
Other names: c.5937T>A, p.Asn1979Lys (NM_014246.4); short protein forms N1979K.
Identifiers: ClinVar variation 2501522 (VCV002501522.1), dbSNP rs2079124063, ClinGen allele CA411945890.
Genomic context (GRCh38, chr22:46,394,169, plus strand): 5'-CAGCATGCAGGGATCATGGGGGCGGGGCCTCACCTTGCATTGGCACTGGCCGTTGGTCTT[A>T]TTACAGTCGGGATCAAAGCCTTTGCTGACGGCACAGTGGCAGGGTCCACAGACGGGGTTC-3'
Protein context (NP_001365257.1, residues 1969-1989): AVSKGFDPDC[Asn1979Lys]KTNGQCQCKE

ClinVar aggregate classification (germline): Uncertain significance (1 of 4 stars; one submission).

Submission:

GeneDx
Classification: Uncertain significance. Last evaluated: 2022-11-04. Review status: criteria provided, single submitter. Criteria: GeneDx Variant Classification Process June 2021. Collection method: clinical testing. Allele origin: germline. Affected: yes.
Comment: Not observed at significant frequency in large population cohorts (gnomAD); In silico analysis supports that this missense variant has a deleterious effect on protein structure/function; Has not been previously published as pathogenic or benign to our knowledge